The following is an entry in ClinVar:

ClinVar aggregate classification (germline): Conflicting classifications of pathogenicity. Review status: criteria provided, conflicting classifications (1 of 4 stars). 2 submissions from 2 submitters: Uncertain significance (1); Likely benign (1). Last evaluated 2025-10-07.

Conditions:
Hereditary nonpolyposis colorectal neoplasms. Identifiers: MedGen C0009405, MeSH D003123.
Hereditary cancer-predisposing syndrome. Also called: Hereditary Cancer Syndrome; Hereditary neoplastic syndrome; Neoplastic Syndromes, Hereditary; Tumor predisposition. Identifiers: Orphanet 140162, MedGen C0027672, MeSH D009386, MONDO:0015356.

Submissions (2):

Ambry Genetics
Classification: Likely benign for Hereditary cancer-predisposing syndrome. Last evaluated: 2025-10-07. Review status: criteria provided, single submitter. Criteria: Ambry Variant Classification Scheme 2023. Collection method: clinical testing. Allele origin: germline.

Labcorp Genetics (formerly Invitae), Labcorp
Classification: Uncertain significance for Hereditary nonpolyposis colorectal neoplasms. Last evaluated: 2024-09-23. Review status: criteria provided, single submitter. Criteria: Invitae Variant Classification Sherloc (09022015). Collection method: clinical testing. Allele origin: germline.
Comment: This sequence change replaces leucine, which is neutral and non-polar, with valine, which is neutral and non-polar, at codon 468 of the PMS2 protein (p.Leu468Val). This variant is not present in population databases (gnomAD no frequency). This variant has not been reported in the literature in individuals affected with PMS2-related conditions. ClinVar contains an entry for this variant (Variation ID: 455651). Invitae Evidence Modeling of protein sequence and biophysical properties (such as structural, functional, and spatial information, amino acid conservation, physicochemical variation, residue mobility, and thermodynamic stability) indicates that this missense variant is not expected to disrupt PMS2 protein function with a negative predictive value of 80%. In summary, the available evidence is currently insufficient to determine the role of this variant in disease. Therefore, it has been classified as a Variant of Uncertain Significance.

NM_000535.7(PMS2):c.1402C>G (p.Leu468Val)

Gene: PMS2 (PMS1 homolog 2, mismatch repair system component; minus strand). Cytogenetic location: 7p22.1.
Variant type: single nucleotide variant.
Coding change: c.1402C>G on transcript NM_000535.7 (MANE Select); coding-DNA position 1402, C replaced by G.
Protein change: p.Leu468Val; replaces leucine 468 with valine.
Molecular consequence: missense variant. On other transcripts: non-coding transcript variant (1).
Genome position (GRCh38, 1-based): chr7:5,987,363, G>C on the plus strand (C>G on the coding strand, the complement: PMS2 is on the minus strand). VCF-style: chr7-5987363-G-C. GRCh37 (hg19) VCF-style: chr7-6026994-G-C.
Other names: c.997C>G, p.Leu333Val (NM_001322003.2, NM_001322004.2, NM_001322005.2 and 1 more transcripts); c.1246C>G, p.Leu416Val (NM_001322006.2); c.1084C>G, p.Leu362Val (NM_001322007.2, NM_001322008.2); c.841C>G, p.Leu281Val (NM_001322010.2); c.469C>G, p.Leu157Val (NM_001322011.2, NM_001322012.2); c.829C>G, p.Leu277Val (NM_001322013.2); c.1402C>G, p.Leu468Val (NM_001322014.2); c.1093C>G, p.Leu365Val (NM_001322015.2); short protein forms L468V, L157V, L281V, L365V, L416V, L333V, L277V, L362V.
Identifiers: ClinVar variation 455651 (VCV000455651.9), dbSNP rs759306219, ClinGen allele CA366742113.